The following is an entry in ClinVar:

NM_005883.3(APC2):c.5025G>C (p.Ser1675=)

Gene: APC2 (APC regulator of Wnt signaling pathway 2; plus strand). Cytogenetic location: 19p13.3.
Variant type: single nucleotide variant.
Coding change: c.5025G>C on transcript NM_005883.3 (MANE Select); coding-DNA position 5025, G replaced by C.
Protein change: p.Ser1675=; no amino-acid change (serine 1675 retained).
Molecular consequence: synonymous variant.
Genome position (GRCh38, 1-based): chr19:1,468,326, G>C. VCF-style: chr19-1468326-G-C. GRCh37 (hg19) VCF-style: chr19-1468325-G-C.
Other names: c.5022G>C, p.Ser1674= (NM_001351273.1).
Identifiers: ClinVar variation 2141459 (VCV002141459.15), dbSNP rs760808754, ClinGen allele CA9045947.

ClinVar aggregate classification (germline): Benign/Likely benign. Review status: criteria provided, multiple submitters, no conflicts (2 of 4 stars). 3 submissions from 3 submitters: Benign (1); Likely benign (2). Last evaluated 2026-08-01.

Allele frequency attached by ClinVar (database versions not stated): gnomAD 0.00037; TOPMed 0.00042; ExAC 0.00153.
gnomAD v4.1: 534 of 1,553,904 alleles (0.034%); highest among the groups gnomAD compares: Middle Eastern, 0.018%; 1 homozygote.

Submissions (3):

CeGaT Center for Human Genetics Tuebingen
Classification: Likely benign. Last evaluated: 2026-08-01. Review status: criteria provided, single submitter. Criteria: CeGaT Center For Human Genetics Tuebingen Variant Classification Criteria Version 2. Collection method: clinical testing. Allele origin: germline. Affected: yes. Observed: 2 variant alleles.
Comment: APC2: BP4, BP7

Labcorp Genetics (formerly Invitae), Labcorp
Classification: Benign. Last evaluated: 2025-11-15. Review status: criteria provided, single submitter. Criteria: Invitae Variant Classification Sherloc (09022015). Collection method: clinical testing. Allele origin: germline.

Blueprint Genetics
Classification: Likely benign. Last evaluated: 2024-09-20. Review status: criteria provided, single submitter. Criteria: ACMG Guidelines, 2015. Collection method: clinical testing. Allele origin: germline.